The following is an entry in ClinVar:

ClinVar aggregate classification (germline): Uncertain significance. Review status: criteria provided, multiple submitters, no conflicts (2 of 4 stars). 2 submissions from 2 submitters: Uncertain significance (2). Last evaluated 2020-04-03.

Conditions:
Polycystic kidney disease, adult type (PKD1). Also called: POLYCYSTIC KIDNEY DISEASE, ADULT, TYPE I; Polycystic Kidney Disease 1, Autosomal Dominant; Polycystic kidney disease 1; Polycystic kidney disease 1, severe; Polycystic Kidney, Autosomal Dominant; POLYCYSTIC KIDNEY DISEASE 1 WITH OR WITHOUT POLYCYSTIC LIVER DISEASE. Identifiers: MedGen C3149841, MONDO:0008263, OMIM 173900.
Congenital anomaly of kidney and urinary tract. Also called: Congenital anomalies of the kidney and urinary tract; Congenital anomalies of kidney and urinary tract. Identifiers: Orphanet 93545, MedGen C1968949, MeSH C566906, MONDO:0019719.

Submissions (2):

Cambridge Genomics Laboratory, East Genomic Laboratory Hub, NHS Genomic Medicine Service
Classification: Uncertain significance for Congenital anomaly of kidney and urinary tract. Last evaluated: 2020-04-03. Review status: criteria provided, single submitter. Criteria: ACGS Best Practice Guidelines for Variant Classification in Rare Disease 2020. Collection method: clinical testing. Allele origin: germline. Affected: yes. Observed: 1 variant allele.

Juno Genomics, Hangzhou Juno Genomics, Inc
Classification: Uncertain significance for Polycystic kidney disease, adult type. Review status: criteria provided, single submitter. Criteria: ACMG Guidelines, 2015. Collection method: clinical testing. Allele origin: germline. Affected: yes.
Comment: Absent from controls (or at extremely low frequency if recessive) in Genome Aggregation Database, Exome Sequencing Project, 1000 Genomes Project, or Exome Aggregation Consortium.;Multiple lines of computational evidence support a deleterious effect on the gene or gene product (conservation, evolutionary, splicing impact, etc).;Patient's phenotype or family history is highly specific for a disease with a single genetic etiology.

NM_001009944.3(PKD1):c.4543C>G (p.His1515Asp)

Gene: PKD1 (polycystin 1, transient receptor potential channel interacting; minus strand). Cytogenetic location: 16p13.3.
Variant type: single nucleotide variant.
Coding change: c.4543C>G on transcript NM_001009944.3 (MANE Select); coding-DNA position 4543, C replaced by G.
Protein change: p.His1515Asp; replaces histidine 1515 with aspartic acid.
Molecular consequence: missense variant.
Genome position (GRCh38, 1-based): chr16:2,110,624, G>C on the plus strand (C>G on the coding strand, the complement: PKD1 is on the minus strand). VCF-style: chr16-2110624-G-C. GRCh37 (hg19) VCF-style: chr16-2160625-G-C.
Other names: c.4543C>G, p.His1515Asp (NM_000296.4); short protein forms H1515D.
Identifiers: ClinVar variation 3382409 (VCV003382409.3).
Genomic context (GRCh38, chr16:2,110,624, plus strand): 5'-GGCTCACCTCATTCCAGCCGGCCACCCTAACGGTGAAGTCACCTGTGCTGTTGTAAGCGT[G>C]GGTGACCTCCGGACCCTCGAGCCACCCACCGTCCCCCAGATCCCACAGGTAGCTGGCGGG-3'
Protein context (NP_001009944.3, residues 1505-1525): GGWLEGPEVT[His1515Asp]AYNSTGDFTV